The following is an entry in ClinVar:

NM_000388.4(CASR):c.496A>G (p.Ser166Gly)

Gene: CASR (calcium sensing receptor; plus strand). Cytogenetic location: 3q21.1.
Variant type: single nucleotide variant.
Coding change: c.496A>G on transcript NM_000388.4 (MANE Select); coding-DNA position 496, A replaced by G.
Protein change: p.Ser166Gly; replaces serine 166 with glycine.
Molecular consequence: missense variant.
Genome position (GRCh38, 1-based): chr3:122,261,531, A>G. VCF-style: chr3-122261531-A-G. GRCh37 (hg19) VCF-style: chr3-121980378-A-G.
Other names: c.496A>G, p.Ser166Gly (NM_001178065.2); short protein forms S166G.
Identifiers: ClinVar variation 35800 (VCV000035800.13), dbSNP rs193922441, ClinGen allele CA213601.

ClinVar aggregate classification (germline): Conflicting classifications of pathogenicity. Review status: criteria provided, conflicting classifications (1 of 4 stars). 5 submissions from 5 submitters: Likely pathogenic (1); Uncertain significance (4). Last evaluated 2025-10-30.

Conditions:
Familial hyperparathyroidism or Hypocalciuric hypercalcaemia.
Familial hypocalciuric hypercalcemia (FHH). Also called: Familial benign hypercalcemia. Identifiers: Orphanet 405, MedGen C1809471, MONDO:0018458.
Autosomal dominant hypocalcemia 1 (HYPOC1). Also called: HYPOCALCEMIA, FAMILIAL. Identifiers: MedGen C3715128, MONDO:0011013, OMIM 601198.
Nephrolithiasis/nephrocalcinosis. Identifiers: MedGen CN580796.

Submissions (5):

Labcorp Genetics (formerly Invitae), Labcorp
Classification: Likely pathogenic for Familial hypocalciuric hypercalcemia; Autosomal dominant hypocalcemia 1. Last evaluated: 2025-10-30. Review status: criteria provided, single submitter. Criteria: Invitae Variant Classification Sherloc (09022015). Collection method: clinical testing. Allele origin: germline.
Comment: This sequence change replaces serine, which is neutral and polar, with glycine, which is neutral and non-polar, at codon 166 of the CASR protein (p.Ser166Gly). This variant is not present in population databases (gnomAD no frequency). This missense change has been observed in individual(s) with familial hypocalciuric hypercalcemia (PMID: 19179454). Invitae Evidence Modeling of clinical and family history, age, sex, and reported ancestry of multiple individuals with this CASR variant has been performed. This variant is expected to be pathogenic with a positive predictive value of at least 99%. This is a validated machine learning model that incorporates the clinical features of 646,172 individuals referred to our laboratory for CASR testing. ClinVar contains an entry for this variant (Variation ID: 35800). An algorithm developed to predict the effect of missense changes on protein structure and function (PolyPhen-2) suggests that this variant is likely to be disruptive. In summary, the currently available evidence indicates that the variant is pathogenic, but additional data are needed to prove that conclusively. Therefore, this variant has been classified as Likely Pathogenic.

Clinical Genetics Laboratory, Skane University Hospital Lund
Classification: Uncertain significance for Familial hypocalciuric hypercalcemia. Last evaluated: 2025-05-14. Review status: criteria provided, single submitter. Criteria: ACMG Guidelines, 2015. Collection method: clinical testing. Allele origin: germline. Affected: yes.
Comment: ACMG-criteria applied: PS4_supporting, PM2, PP3, PP4

Cambridge Genomics Laboratory, East Genomic Laboratory Hub, NHS Genomic Medicine Service
Classification: Uncertain significance for Familial hyperparathyroidism or Hypocalciuric hypercalcaemia. Last evaluated: 2024-08-27. Review status: criteria provided, single submitter. Criteria: ACGS Best Practice Guidelines for Variant Classification in Rare Disease 2020. Collection method: clinical testing. Allele origin: germline. Affected: yes.
Comment: PM2,PP2,PP3

Ambry Genetics
Classification: Uncertain significance for Nephrolithiasis/nephrocalcinosis. Last evaluated: 2024-04-24. Review status: criteria provided, single submitter. Criteria: Ambry Variant Classification Scheme 2023. Collection method: clinical testing. Allele origin: germline.
Comment: The p.S166G variant (also known as c.496A>G), located in coding exon 3 of the CASR gene, results from an A to G substitution at nucleotide position 496. The serine at codon 166 is replaced by glycine, an amino acid with similar properties. This variant was detected in an individual with familial hypocalciuric hypercalcemia (FHH) (Cole DE et al. J Mol Endocrinol, 2009 Apr;42:331-9). This amino acid position is highly conserved in available vertebrate species. In addition, this alteration is predicted to be deleterious by in silico analysis. In addition, the evidence for the gene-disease relationship is limited for pancreatitis and cancer predisposition; therefore, the clinical significance of this variant for CASR-related pancreatitis and cancer predisposition is unclear. Based on the available evidence, the clinical significance of this variant remains unclear.

Women's Health and Genetics/Laboratory Corporation of America, LabCorp
Classification: Uncertain significance. Last evaluated: 2019-02-05. Review status: criteria provided, single submitter. Criteria: LabCorp Variant Classification Summary - May 2015. Collection method: clinical testing. Allele origin: germline.
Comment: Variant summary: CASR c.496A>G (p.Ser166Gly) results in a non-conservative amino acid change located in the ligand binding region (IPR001828) of the encoded protein sequence. Four of five in-silico tools predict a damaging effect of the variant on protein function. The variant was absent in 245912 control chromosomes (gnomAD). The available data on variant occurrences in the general population are insufficient to allow any conclusion about variant significance. c.496A>G has been reported in the literature in an individual affected with Familial Hypocalciuric Hypercalcemia, who had a strong family history of hypocalciuric hypercalcemia on the fathers side, with nine hypercalcemic family members, however the family members were not tested for the variant (Cole 2009). These data therefore do not allow unequivocal conclusions about the variant significance. To our knowledge, no experimental evidence demonstrating an impact on protein function has been reported. One clinical diagnostic laboratory has submitted clinical-significance assessments for this variant to ClinVar after 2014 without evidence for independent evaluation, and classified the variant as uncertain significance. Based on the evidence outlined above, the variant was classified as VUS-possibly pathogenic.

Literature cited by the submitters: PubMed 19179454 (cited by 3 submitters).